The following is an entry in ClinVar:

NM_016507.4(CDK12):c.2233A>G (p.Lys745Glu)

Gene: CDK12 (cyclin dependent kinase 12; plus strand). Cytogenetic location: 17q12.
Variant type: single nucleotide variant.
Coding change: c.2233A>G on transcript NM_016507.4 (MANE Select); coding-DNA position 2233, A replaced by G.
Protein change: p.Lys745Glu; replaces lysine 745 with glutamic acid.
Molecular consequence: missense variant.
Genome position (GRCh38, 1-based): chr17:39,492,875, A>G. VCF-style: chr17-39492875-A-G. GRCh37 (hg19) VCF-style: chr17-37649128-A-G.
Other names: c.2233A>G, p.Lys745Glu (NM_015083.4); short protein forms K745E.
Identifiers: ClinVar variation 3489251 (VCV003489251.1).
Genomic context (GRCh38, chr17:39,492,875, plus strand): 5'-GACAAGTTTGACATTATTGGGATTATTGGAGAAGGAACCTATGGCCAAGTATATAAAGCC[A>G]AGGACAAAGACACAGGTAAATATTGCCACAAAATTTTAGATGTCAGAATGTTAACAATTT-3'
Protein context (NP_057591.2, residues 735-755): EGTYGQVYKA[Lys745Glu]DKDTGELVAL

ClinVar aggregate classification (germline): Uncertain significance (1 of 4 stars; one submission).

gnomAD v4.1: 3 of 1,608,292 alleles (0.00019%); highest among the groups gnomAD compares: Non-Finnish European, 0.00025%; no homozygotes.

Submission:

Ambry Genetics
Classification: Uncertain significance. Last evaluated: 2024-11-23. Review status: criteria provided, single submitter. Criteria: Ambry Variant Classification Scheme 2023. Collection method: clinical testing. Allele origin: germline.
Comment: The p.K745E variant (also known as c.2233A>G), located in coding exon 4 of the CDK12 gene, results from an A to G substitution at nucleotide position 2233. The lysine at codon 745 is replaced by glutamic acid, an amino acid with similar properties. This amino acid position is conserved. In addition, the in silico prediction for this alteration is inconclusive. Based on the available evidence, the clinical significance of this variant remains unclear.